The following is an entry in ClinVar:

ClinVar aggregate classification (germline): Conflicting classifications of pathogenicity. Review status: criteria provided, conflicting classifications (1 of 4 stars). 3 submissions from 3 submitters: Pathogenic (1); Uncertain significance (2). Last evaluated 2023-04-20.

Conditions:
Hyper-IgE recurrent infection syndrome 1, autosomal dominant. Also called: Job's Syndrome; Hyper-IgE recurrent infection syndrome 1; HYPER-IgE SYNDROME 1, AUTOSOMAL DOMINANT, WITH RECURRENT INFECTIONS; JOB SYNDROME; STAT3 Hyper IgE Syndrome. Identifiers: Orphanet 2314, MedGen C2936739, MONDO:0007818, OMIM 147060.
STAT3 gain of function. Identifiers: MedGen C4288261.

gnomAD v4.1: 2 of 1,614,212 alleles (0.00012%); highest among the groups gnomAD compares: Non-Finnish European, 0.00017%; no homozygotes.

Submissions (3):

Women's Health and Genetics/Laboratory Corporation of America, LabCorp
Classification: Uncertain significance. Last evaluated: 2023-04-20. Review status: criteria provided, single submitter. Criteria: LabCorp Variant Classification Summary - May 2015. Collection method: clinical testing. Allele origin: germline.
Comment: Variant summary: STAT3 c.1940A>T (p.Asn647Ile) results in a non-conservative amino acid change located in the Src homology 2 (SH2) domain (IPR000980) of the encoded protein sequence. Three of five in-silico tools predict a benign effect of the variant on protein function. The variant was absent in 251490 control chromosomes. The available data on variant occurrences in the general population are insufficient to allow any conclusion about variant significance. To our knowledge, no occurrences of c.1940A>T have been reported in individuals affected with Hyper IgE Syndrome. However, it has been frequently reported as a somatic mutation in individuals affected with various types of hematopoietic and lymphoid malignancies (Example: Garcia-Reyero_2021, Liu_2019, deAraujo_2019, Lim_2019, Jerez_2012, Oishi_2023) and has been reported as a common mutation in T-Cell Large Granular Lymphocytic Leukemia and NK leukemias (NCCN Guidelines). The variant has also been reported in patients affected with Type I Enteropathy Associated T cell Lymphoma (EATL) and Type II refractory celiac disease (Moffitt_2017, Cording_2020). These reports however, do not provide unequivocal conclusions about association of the variant with Hyper IgE Syndrome. At least one functional study report that in cell culture, the variant resulted in increased levels of phosphorylated STAT3 upon stimulation with Oncostatin M or various concentrations of IL-6 demonstrating that it is a gain-of-function mutation (Chandrasekaran_2016). It is not clear however, whether this gain-of-function activity would support a pathogenic role in Hyper IgE Syndrome as a germline variant. One ClinVar submitter (evaluation after 2014) cites the variant as pathogenic. In addition, different variants affecting the same and/or nearby codons (example: p.N647D, p.N646K, p.E652K) have been reported in the HGMD database associated with Hyper-IgE syndrome, suggesting this region may be clinically significant. Based on the evidence outlined above, the variant was classified as uncertain significance for Hyper IgE Syndrome until additional information becomes available to determine its role in the Hyper IgE syndrome.

Labcorp Genetics (formerly Invitae), Labcorp
Classification: Uncertain significance for STAT3 gain of function; Hyper-IgE recurrent infection syndrome 1, autosomal dominant. Last evaluated: 2023-04-05. Review status: criteria provided, single submitter. Criteria: Invitae Variant Classification Sherloc (09022015). Collection method: clinical testing. Allele origin: germline.
Comment: This sequence change replaces asparagine, which is neutral and polar, with isoleucine, which is neutral and non-polar, at codon 647 of the STAT3 protein (p.Asn647Ile). This variant is not present in population databases (gnomAD no frequency). In summary, the available evidence is currently insufficient to determine the role of this variant in disease. Therefore, it has been classified as a Variant of Uncertain Significance. Experimental studies have shown that this missense change affects STAT3 function (PMID: 27345172). Advanced modeling of protein sequence and biophysical properties (such as structural, functional, and spatial information, amino acid conservation, physicochemical variation, residue mobility, and thermodynamic stability) performed at Invitae indicates that this missense variant is not expected to disrupt STAT3 protein function. ClinVar contains an entry for this variant (Variation ID: 932423). This variant has not been reported in the literature in individuals affected with STAT3-related conditions.

CeGaT Center for Human Genetics Tuebingen
Classification: Pathogenic. Last evaluated: 2020-06-01. Review status: criteria provided, single submitter. Criteria: CeGaT Center For Human Genetics Tuebingen Variant Classification Criteria Version 2. Collection method: clinical testing. Allele origin: germline. Affected: yes. Observed: 1 variant allele.

Literature cited by the submitters: PubMed 22859607 (cited by Women's Health and Genetics/Laboratory Corporation of America, LabCorp); PubMed 31717342 (cited by Women's Health and Genetics/Laboratory Corporation of America, LabCorp); PubMed 27345172 (cited by Women's Health and Genetics/Laboratory Corporation of America, LabCorp and Labcorp Genetics (formerly Invitae), Labcorp); PubMed 33579790 (cited by Women's Health and Genetics/Laboratory Corporation of America, LabCorp); PubMed 32273478 (cited by Women's Health and Genetics/Laboratory Corporation of America, LabCorp); PubMed 31278738 (cited by Women's Health and Genetics/Laboratory Corporation of America, LabCorp); PubMed 31002364 (cited by Women's Health and Genetics/Laboratory Corporation of America, LabCorp); PubMed 28424246 (cited by Women's Health and Genetics/Laboratory Corporation of America, LabCorp); PubMed 35882439 (cited by Women's Health and Genetics/Laboratory Corporation of America, LabCorp).

NM_139276.3(STAT3):c.1940A>T (p.Asn647Ile)

Gene: STAT3 (signal transducer and activator of transcription 3; minus strand). Cytogenetic location: 17q21.2.
Variant type: single nucleotide variant.
Coding change: c.1940A>T on transcript NM_139276.3 (MANE Select); coding-DNA position 1940, A replaced by T.
Protein change: p.Asn647Ile; replaces asparagine 647 with isoleucine.
Molecular consequence: missense variant.
Genome position (GRCh38, 1-based): chr17:42,322,443, T>A on the plus strand (A>T on the coding strand, the complement: STAT3 is on the minus strand). VCF-style: chr17-42322443-T-A. GRCh37 (hg19) VCF-style: chr17-40474461-T-A.
Other names: c.1940A>T, p.Asn647Ile (NM_001369512.1, NM_001369513.1, NM_001369514.1 and 7 more transcripts); short protein forms N647I.
Identifiers: ClinVar variation 932423 (VCV000932423.44), dbSNP rs770986654, ClinGen allele CA8575182.